The following is an entry in ClinVar:

NM_001205293.3(CACNA1E):c.2770C>G (p.Arg924Gly)

Gene: CACNA1E (calcium voltage-gated channel subunit alpha1 E; plus strand). Cytogenetic location: 1q25.3.
Variant type: single nucleotide variant.
Coding change: c.2770C>G on transcript NM_001205293.3 (MANE Select); coding-DNA position 2770, C replaced by G.
Protein change: p.Arg924Gly; replaces arginine 924 with glycine.
Molecular consequence: missense variant.
Genome position (GRCh38, 1-based): chr1:181,732,856, C>G. VCF-style: chr1-181732856-C-G. GRCh37 (hg19) VCF-style: chr1-181701992-C-G.
Other names: c.2770C>G, p.Arg924Gly (NM_000721.4); c.2713C>G, p.Arg905Gly (NM_001205294.2); short protein forms R905G, R924G.
Identifiers: ClinVar variation 3633673 (VCV003633673.2).

ClinVar aggregate classification (germline): Uncertain significance (1 of 4 stars; one submission).

Submission:

Labcorp Genetics (formerly Invitae), Labcorp
Classification: Uncertain significance. Last evaluated: 2024-04-20. Review status: criteria provided, single submitter. Criteria: Invitae Variant Classification Sherloc (09022015). Collection method: clinical testing. Allele origin: germline.
Comment: This sequence change replaces arginine, which is basic and polar, with glycine, which is neutral and non-polar, at codon 924 of the CACNA1E protein (p.Arg924Gly). This variant is not present in population databases (gnomAD no frequency). This variant has not been reported in the literature in individuals affected with CACNA1E-related conditions. Advanced modeling of protein sequence and biophysical properties (such as structural, functional, and spatial information, amino acid conservation, physicochemical variation, residue mobility, and thermodynamic stability) performed at Invitae indicates that this missense variant is not expected to disrupt CACNA1E protein function with a negative predictive value of 95%. In summary, the available evidence is currently insufficient to determine the role of this variant in disease. Therefore, it has been classified as a Variant of Uncertain Significance.